The following is an entry in ClinVar:

ClinVar aggregate classification (germline): Uncertain significance (1 of 4 stars; one submission).

Submission:

GeneDx
Classification: Uncertain significance. Last evaluated: 2025-06-03. Review status: criteria provided, single submitter. Criteria: GeneDx Variant Classification Process June 2021. Collection method: clinical testing. Allele origin: germline. Affected: yes.
Comment: Not observed at significant frequency in large population cohorts (gnomAD); In silico analysis supports that this missense variant has a deleterious effect on protein structure/function; Has not been previously published as pathogenic or benign to our knowledge

NM_000384.3(APOB):c.10315A>G (p.Asn3439Asp)

Gene: APOB (apolipoprotein B; minus strand). Cytogenetic location: 2p24.1.
Variant type: single nucleotide variant.
Coding change: c.10315A>G on transcript NM_000384.3 (MANE Select); coding-DNA position 10315, A replaced by G.
Protein change: p.Asn3439Asp; replaces asparagine 3439 with aspartic acid.
Molecular consequence: missense variant.
Genome position (GRCh38, 1-based): chr2:21,006,553, T>C on the plus strand (A>G on the coding strand, the complement: APOB is on the minus strand). VCF-style: chr2-21006553-T-C. GRCh37 (hg19) VCF-style: chr2-21229425-T-C.
Other names: short protein forms N3439D.
Identifiers: ClinVar variation 4536414 (VCV004536414.1).
Genomic context (GRCh38, chr2:21,006,553, plus strand): 5'-CCATGGAGGAAGAGACAGTAGGTTTTGACTTGGTATTTCCATTAAGTTCTTGCTTGAAAT[T>C]CATTCTCAAAATTGGAATTTGGGCTTTTGTGGTTGTTGCCACTGACACTTCCATATTTTT-3'
Protein context (NP_000375.3, residues 3429-3449): TKAQIPILRM[Asn3439Asp]FKQELNGNTK